The following is an entry in ClinVar:

NM_016628.5(WAC):c.1535C>T (p.Pro512Leu)

Gene: WAC (WW domain containing adaptor with coiled-coil; plus strand). Cytogenetic location: 10p12.1.
Variant type: single nucleotide variant.
Coding change: c.1535C>T on transcript NM_016628.5 (MANE Select); coding-DNA position 1535, C replaced by T.
Protein change: p.Pro512Leu; replaces proline 512 with leucine.
Molecular consequence: missense variant.
Genome position (GRCh38, 1-based): chr10:28,614,664, C>T. VCF-style: chr10-28614664-C-T. GRCh37 (hg19) VCF-style: chr10-28903593-C-T.
Other names: c.1400C>T, p.Pro467Leu (NM_100264.3); c.1226C>T, p.Pro409Leu (NM_100486.4); short protein forms P409L, P467L, P512L.
Identifiers: ClinVar variation 1194700 (VCV001194700.2), dbSNP rs2132853383, ClinGen allele CA376404804.

ClinVar aggregate classification (germline): Likely benign (1 of 4 stars; one submission).

Submission:

GeneDx
Classification: Likely benign. Last evaluated: 2020-09-28. Review status: criteria provided, single submitter. Criteria: GeneDx Variant Classification Process June 2021. Collection method: clinical testing. Allele origin: germline. Affected: yes.
Comment: In silico analysis supports that this missense variant has a deleterious effect on protein structure/function